The following is an entry in ClinVar:

ClinVar aggregate classification (germline): Uncertain significance. Review status: criteria provided, multiple submitters, no conflicts (2 of 4 stars). 2 submissions from 2 submitters: Uncertain significance (2). Last evaluated 2025-02-24.

Conditions:
Inborn genetic diseases. Identifiers: MedGen C0950123, MeSH D030342.

Allele frequency attached by ClinVar (database versions not stated): TOPMed below 0.00001; gnomAD exomes 0.00001; ExAC 0.00008; ESP Exome Variant Server 0.00008.
gnomAD v4.1: 14 of 1,589,072 alleles (0.00088%); highest among the groups gnomAD compares: East Asian, 0.0023%; no homozygotes.

Submissions (2):

Labcorp Genetics (formerly Invitae), Labcorp
Classification: Uncertain significance. Last evaluated: 2025-02-24. Review status: criteria provided, single submitter. Criteria: Invitae Variant Classification Sherloc (09022015). Collection method: clinical testing. Allele origin: germline.
Comment: This sequence change replaces arginine, which is basic and polar, with glutamine, which is neutral and polar, at codon 1255 of the CCDC88C protein (p.Arg1255Gln). The frequency data for this variant in the population databases is considered unreliable, as metrics indicate poor data quality at this position in the gnomAD database. This variant has not been reported in the literature in individuals affected with CCDC88C-related conditions. ClinVar contains an entry for this variant (Variation ID: 1916679). An algorithm developed to predict the effect of missense changes on protein structure and function outputs the following: PolyPhen-2: "Benign". The glutamine amino acid residue is found in multiple mammalian species, which suggests that this missense change does not adversely affect protein function. In summary, the available evidence is currently insufficient to determine the role of this variant in disease. Therefore, it has been classified as a Variant of Uncertain Significance.

Ambry Genetics
Classification: Uncertain significance for Inborn genetic diseases. Last evaluated: 2025-02-21. Review status: criteria provided, single submitter. Criteria: Ambry Variant Classification Scheme 2023. Collection method: clinical testing. Allele origin: germline.

NM_001080414.4(CCDC88C):c.3764G>A (p.Arg1255Gln)

Gene: CCDC88C (coiled-coil and HOOK domain protein 88C; minus strand). Cytogenetic location: 14q32.11.
Variant type: single nucleotide variant.
Coding change: c.3764G>A on transcript NM_001080414.4 (MANE Select); coding-DNA position 3764, G replaced by A.
Protein change: p.Arg1255Gln; replaces arginine 1255 with glutamine.
Molecular consequence: missense variant.
Genome position (GRCh38, 1-based): chr14:91,299,942, C>T on the plus strand (G>A on the coding strand, the complement: CCDC88C is on the minus strand). VCF-style: chr14-91299942-C-T. GRCh37 (hg19) VCF-style: chr14-91766286-C-T.
Other names: c.3764G>A (NM_001080414.3); short protein forms R1255Q.
Identifiers: ClinVar variation 1916679 (VCV001916679.4), dbSNP rs376285137, ClinGen allele CA7309223.
Genomic context (GRCh38, chr14:91,299,942, plus strand): 5'-GAATCTGGGGTGCTGCTATGTGCAGGGCCGGGCGCCGGCGCTCACCTGTCCAGCTCGCCC[C>T]GCAGCCTCTGGTTCTCGCCCATGGCGAGGGCGTTTGTCCTCTGCTCCTGCTGCAGCGCCT-3'
Protein context (NP_001073883.2, residues 1245-1265): ALAMGENQRL[Arg1255Gln]GELDRVNFLH